The following is an entry in ClinVar:

NM_032242.4(PLXNA1):c.4295+9G>C

Gene: PLXNA1 (plexin A1; plus strand). Cytogenetic location: 3q21.3.
Variant type: single nucleotide variant.
Coding change: c.4295+9G>C on transcript NM_032242.4 (MANE Select); 9 bases into the intron after coding-DNA position 4295, G replaced by C.
Molecular consequence: intron variant.
Genome position (GRCh38, 1-based): chr3:127,022,350, G>C. VCF-style: chr3-127022350-G-C. GRCh37 (hg19) VCF-style: chr3-126741193-G-C.
Identifiers: ClinVar variation 3354195 (VCV003354195.1).

ClinVar aggregate classification (germline): Likely benign (0 of 4 stars; one submission).

Conditions:
PLXNA1-related disorder. Also called: PLXNA1-related condition.

Submission:

PreventionGenetics, part of Exact Sciences
Classification: Likely benign for PLXNA1-related condition. Last evaluated: 2022-11-08. Review status: no assertion criteria provided. Collection method: clinical testing. Allele origin: germline.
Comment: This variant is classified as likely benign based on ACMG/AMP sequence variant interpretation guidelines (Richards et al. 2015 PMID: 25741868, with internal and published modifications).